The following is an entry in ClinVar:

ClinVar aggregate classification (germline): Uncertain significance (1 of 4 stars; one submission).

Conditions:
ANKRD1-related dilated cardiomyopathy. Identifiers: MedGen CN119551.

gnomAD v4.1: 2 of 1,614,080 alleles (0.00012%); highest among the groups gnomAD compares: African/African-American, 0.0027%; no homozygotes.

Submission:

Labcorp Genetics (formerly Invitae), Labcorp
Classification: Uncertain significance for ANKRD1-related dilated cardiomyopathy. Last evaluated: 2020-12-22. Review status: criteria provided, single submitter. Criteria: Invitae Variant Classification Sherloc (09022015). Collection method: clinical testing. Allele origin: germline.
Comment: This variant has not been reported in the literature in individuals with ANKRD1-related conditions. This variant is not present in population databases (ExAC no frequency). This sequence change replaces proline with arginine at codon 52 of the ANKRD1 protein (p.Pro52Arg). The proline residue is weakly conserved and there is a moderate physicochemical difference between proline and arginine. Algorithms developed to predict the effect of missense changes on protein structure and function (SIFT, PolyPhen-2, Align-GVGD) all suggest that this variant is likely to be tolerated, but these predictions have not been confirmed by published functional studies and their clinical significance is uncertain. In summary, the available evidence is currently insufficient to determine the role of this variant in disease. Therefore, it has been classified as a Variant of Uncertain Significance.

NM_014391.3(ANKRD1):c.155C>G (p.Pro52Arg)

Gene: ANKRD1 (ankyrin repeat domain 1; minus strand). Cytogenetic location: 10q23.31.
Variant type: single nucleotide variant.
Coding change: c.155C>G on transcript NM_014391.3 (MANE Select); coding-DNA position 155, C replaced by G.
Protein change: p.Pro52Arg; replaces proline 52 with arginine.
Molecular consequence: missense variant.
Genome position (GRCh38, 1-based): chr10:90,920,221, G>C on the plus strand (C>G on the coding strand, the complement: ANKRD1 is on the minus strand). VCF-style: chr10-90920221-G-C. GRCh37 (hg19) VCF-style: chr10-92679978-G-C.
Other names: short protein forms P52R.
Identifiers: ClinVar variation 1434720 (VCV001434720.8), dbSNP rs1443210840, ClinGen allele CA377553587.